The following is an entry in ClinVar:

ClinVar aggregate classification (germline): Uncertain significance (1 of 4 stars; one submission).

Conditions:
Atrial fibrillation, familial, 18 (ATFB18). Identifiers: MedGen C4310636, MONDO:0015001, OMIM 617280.

Allele frequency attached by ClinVar (database versions not stated): gnomAD exomes below 0.00001; ExAC 0.00001; gnomAD 0.00001 and 0.00002; TOPMed 0.00002.
gnomAD v4.1: 19 of 1,614,004 alleles (0.0012%); highest among the groups gnomAD compares: African/African-American, 0.0027%; no homozygotes.

Submission:

Labcorp Genetics (formerly Invitae), Labcorp
Classification: Uncertain significance for Atrial fibrillation, familial, 18. Last evaluated: 2026-01-10. Review status: criteria provided, single submitter. Criteria: Invitae Variant Classification Sherloc (09022015). Collection method: clinical testing. Allele origin: germline.
Comment: This sequence change replaces asparagine, which is neutral and polar, with serine, which is neutral and polar, at codon 186 of the MYL4 protein (p.Asn186Ser). This variant is present in population databases (rs754888534, gnomAD 0.004%). This variant has not been reported in the literature in individuals affected with MYL4-related conditions. ClinVar contains an entry for this variant (Variation ID: 1011955). An algorithm developed to predict the effect of missense changes on protein structure and function (PolyPhen-2) suggests that this variant is likely to be tolerated. In summary, the available evidence is currently insufficient to determine the role of this variant in disease. Therefore, it has been classified as a Variant of Uncertain Significance.

NM_002476.2(MYL4):c.557A>G (p.Asn186Ser)

Gene: MYL4 (myosin light chain 4; plus strand). Cytogenetic location: 17q21.32.
Variant type: single nucleotide variant.
Coding change: c.557A>G on transcript NM_002476.2 (MANE Select); coding-DNA position 557, A replaced by G.
Protein change: p.Asn186Ser; replaces asparagine 186 with serine.
Molecular consequence: missense variant.
Genome position (GRCh38, 1-based): chr17:47,222,449, A>G. VCF-style: chr17-47222449-A-G. GRCh37 (hg19) VCF-style: chr17-45299815-A-G.
Other names: c.557A>G, p.Asn186Ser (NM_001002841.2); short protein forms N186S.
Identifiers: ClinVar variation 1011955 (VCV001011955.6), dbSNP rs754888534, ClinGen allele CA8622790.
Genomic context (GRCh38, chr17:47,222,449, plus strand): 5'-TGACTGAGGCTGAAGTGGAGCAGCTGTTAGCTGGGCAAGAGGATGCCAATGGCTGCATCA[A>G]TTATGAAGGTATTAAGCCGCGCCTTGCATCCCAGGGCAGCCAGGGATGGTAGGATGGGAA-3'
Protein context (NP_002467.1, residues 176-196): AGQEDANGCI[Asn186Ser]YEAFVKHIMS